The following is an entry in ClinVar:

NM_015100.4(POGZ):c.3689G>A (p.Cys1230Tyr)

Gene: POGZ (pogo transposable element derived with ZNF domain; minus strand). Cytogenetic location: 1q21.3.
Variant type: single nucleotide variant.
Coding change: c.3689G>A on transcript NM_015100.4 (MANE Select); coding-DNA position 3689, G replaced by A.
Protein change: p.Cys1230Tyr; replaces cysteine 1230 with tyrosine.
Molecular consequence: missense variant.
Genome position (GRCh38, 1-based): chr1:151,405,346, C>T on the plus strand (G>A on the coding strand, the complement: POGZ is on the minus strand). VCF-style: chr1-151405346-C-T. GRCh37 (hg19) VCF-style: chr1-151377822-C-T.
Other names: c.3662G>A, p.Cys1221Tyr (NM_001194937.2); c.3503G>A, p.Cys1168Tyr (NM_001194938.2); c.3710G>A, p.Cys1237Tyr (NM_001410860.1); c.3404G>A, p.Cys1135Tyr (NM_145796.4); c.3530G>A, p.Cys1177Tyr (NM_207171.2); short protein forms C1135Y, C1168Y, C1177Y, C1221Y, C1230Y, C1237Y.
Identifiers: ClinVar variation 3371219 (VCV003371219.1).
Genomic context (GRCh38, chr1:151,405,346, plus strand): 5'-GGCAAAGTGCTAGAGGCACTAAGCATAGCCAGTACCTCTTCTGACAAGTGAGTGCGATGA[C>T]AGTCCATCACAAGCATGCCTTTGCTGCGCTGGCAAGCTGTGTGCTTCTGCCACACTCGAG-3'
Protein context (NP_055915.2, residues 1220-1240): QRSKGMLVMD[Cys1230Tyr]HRTHLSEEVL

ClinVar aggregate classification (germline): Uncertain significance (1 of 4 stars; one submission).

Submission:

GeneDx
Classification: Uncertain significance. Last evaluated: 2024-03-19. Review status: criteria provided, single submitter. Criteria: GeneDx Variant Classification Process June 2021. Collection method: clinical testing. Allele origin: germline. Affected: yes.
Comment: Not observed at significant frequency in large population cohorts (gnomAD); In silico analysis supports that this missense variant does not alter protein structure/function; Has not been previously published as pathogenic or benign to our knowledge